The following is an entry in ClinVar:

ClinVar aggregate classification (germline): Uncertain significance (1 of 4 stars; one submission).

Conditions:
RASopathy. Also called: Noonan spectrum disorder; rasopathies. Identifiers: Orphanet 536391, MedGen C5555857, MONDO:0021060.

Submission:

Labcorp Genetics (formerly Invitae), Labcorp
Classification: Uncertain significance for RASopathy. Last evaluated: 2023-11-18. Review status: criteria provided, single submitter. Criteria: Invitae Variant Classification Sherloc (09022015). Collection method: clinical testing. Allele origin: germline.
Comment: This sequence change creates a premature translational stop signal (p.Ser1097Valfs*20) in the SOS1 gene. It is expected to result in an absent or disrupted protein product. However, the current clinical and genetic evidence is not sufficient to establish whether loss-of-function variants in SOS1 cause disease. This variant is not present in population databases (gnomAD no frequency). This variant has not been reported in the literature in individuals affected with SOS1-related conditions. In summary, the available evidence is currently insufficient to determine the role of this variant in disease. Therefore, it has been classified as a Variant of Uncertain Significance.

NM_005633.4(SOS1):c.3258_3288dup (p.Ser1097fs)

Gene: SOS1 (SOS Ras/Rac guanine nucleotide exchange factor 1; minus strand). Cytogenetic location: 2p22.1.
Variant type: Duplication.
Coding change: c.3258_3288dup on transcript NM_005633.4 (MANE Select); coding-DNA positions 3258 to 3288, 31 bases duplicated.
Protein change: p.Ser1097fs; shifts the reading frame from serine 1097.
Molecular consequence: frameshift variant.
Genome position (GRCh38, 1-based): chr2:38,995,181-38,995,211, 31 bases duplicated; duplicating any 31 consecutive bases within chr2:38,995,181-38,995,213 gives the same sequence; the c. name uses the placement nearest the transcript's 3' end. GRCh37 (hg19): chr2:39,222,324-39,222,354.
Other names: c.3237_3267dup, p.Ser1090fs (NM_001382394.1); c.3258_3288dup, p.Ser1097fs (NM_001382395.1); short protein forms S1097fs, S1090fs.
Identifiers: ClinVar variation 2772986 (VCV002772986.3), dbSNP rs2528914362, ClinGen allele CA2697547998.
Genomic context (GRCh38, chr2:38,995,180, plus strand): 5'-TACTTGAGTGAAAAGGGCTCGAATGATCGGAATCAAATACACTGCAAACATCTGTGGTAC[T>TGGAAGCACCAGAAGCAGGCGGAGGTGTTAAC]GGAAGCACCAGAAGCAGGCGGAGGTGTTAACGGTGTTCTTGGAGAATTTGGTGCAGATGC-3'